The following is an entry in ClinVar:

ClinVar aggregate classification (germline): Uncertain significance (1 of 4 stars; one submission).

Conditions:
Amyotrophic lateral sclerosis type 6. Also called: FUS-Related Amyotrophic Laterial Sclerosis; AMYOTROPHIC LATERAL SCLEROSIS 6 WITHOUT FRONTOTEMPORAL DEMENTIA; Amyotrophic lateral sclerosis 6, with or without frontotemporal dementia. Identifiers: Orphanet 275872, Orphanet 803, MedGen C2931786, MONDO:0011951, OMIM 608030.
Tremor, hereditary essential, 4 (ETM4). Identifiers: MedGen C3539195, MONDO:0013888, OMIM 614782.

gnomAD v4.1: 5 of 1,605,864 alleles (0.00031%); highest among the groups gnomAD compares: Non-Finnish European, 0.00043%; no homozygotes.

Submission:

Labcorp Genetics (formerly Invitae), Labcorp
Classification: Uncertain significance for Tremor, hereditary essential, 4; Amyotrophic lateral sclerosis type 6. Last evaluated: 2024-07-08. Review status: criteria provided, single submitter. Criteria: Invitae Variant Classification Sherloc (09022015). Collection method: clinical testing. Allele origin: germline.
Comment: This sequence change replaces glycine, which is neutral and non-polar, with aspartic acid, which is acidic and polar, at codon 167 of the FUS protein (p.Gly167Asp). This variant is not present in population databases (gnomAD no frequency). This missense change has been observed in individual(s) with amyotrophic lateral sclerosis (Invitae). Experimental studies and prediction algorithms are not available or were not evaluated, and the functional significance of this variant is currently unknown. In summary, the available evidence is currently insufficient to determine the role of this variant in disease. Therefore, it has been classified as a Variant of Uncertain Significance.

NM_004960.4(FUS):c.500G>A (p.Gly167Asp)

Gene: FUS (FUS RNA binding protein; plus strand). Cytogenetic location: 16p11.2.
Variant type: single nucleotide variant.
Coding change: c.500G>A on transcript NM_004960.4 (MANE Select); coding-DNA position 500, G replaced by A.
Protein change: p.Gly167Asp; replaces glycine 167 with aspartic acid.
Molecular consequence: missense variant. On other transcripts: non-coding transcript variant (1).
Genome position (GRCh38, 1-based): chr16:31,184,373, G>A. VCF-style: chr16-31184373-G-A. GRCh37 (hg19) VCF-style: chr16-31195694-G-A.
Other names: c.497G>A, p.Gly166Asp (NM_001170634.1); c.500G>A, p.Gly167Asp (NM_001170937.1); short protein forms G166D, G167D.
Identifiers: ClinVar variation 3758108 (VCV003758108.2).
Genomic context (GRCh38, chr16:31,184,373, plus strand): 5'-AAAGCTATAATCCCCCTCAGGGCTATGGACAGCAGAACCAGTACAACAGCAGCAGTGGTG[G>A]TGGAGGTGGAGGTGGAGGTGGAGGTGAGATGTCTTCAGCTTTGTCTGCAGCCCATTTTCT-3'
Protein context (NP_004951.1, residues 157-177): QQNQYNSSSG[Gly167Asp]GGGGGGGGNY